The following is an entry in ClinVar:

NM_000352.6(ABCC8):c.2252_2253dup (p.Ser752fs)

Gene: ABCC8 (ATP binding cassette subfamily C member 8; minus strand). Cytogenetic location: 11p15.1.
Variant type: Duplication.
Coding change: c.2252_2253dup on transcript NM_000352.6 (MANE Select); coding-DNA positions 2252 to 2253, 2 bases duplicated (CC; older notation c.2252_2253dupCC).
Protein change: p.Ser752fs; shifts the reading frame from serine 752.
Molecular consequence: frameshift variant. On other transcripts: non-coding transcript variant (1).
Genome position (GRCh38, 1-based): chr11:17,416,932-17,416,933, GG duplicated on the plus strand (CC on the coding strand, the reverse complement: ABCC8 is on the minus strand); duplicating any 2 consecutive bases within chr11:17,416,932-17,416,935 gives the same sequence; the c. name uses the placement nearest the transcript's 3' end. VCF-style (leftmost placement, unchanged base first): chr11-17416931-T-TGG. GRCh37 (hg19) VCF-style: chr11-17438478-T-TGG.
Other names: c.2252_2253dupCC (NM_000352.4); c.2255_2256dup, p.Ser753fs (NM_001287174.3); c.2318_2319dup, p.Ser774fs (NM_001351295.2); c.2252_2253dup, p.Ser752fs (NM_001351296.2); c.2249_2250dup, p.Ser751fs (NM_001351297.2); short protein forms S751fs, S752fs, S753fs, S774fs.
Identifiers: ClinVar variation 1071339 (VCV001071339.10), dbSNP rs2133487890, ClinGen allele CA2499220827.

ClinVar aggregate classification (germline): Pathogenic/Likely pathogenic. Review status: criteria provided, multiple submitters, no conflicts (2 of 4 stars). 4 submissions from 4 submitters: Pathogenic (1); Likely pathogenic (3). Last evaluated 2024-08-26.

Conditions:
Hereditary hyperinsulinism.
ABCC8-related disorder.
Type 2 diabetes mellitus. Also called: Type II diabetes mellitus. Identifiers: MedGen C0011860, MeSH D003924, MONDO:0005148, OMIM 125853, HP:0005978.

Submissions (4):

Natera, Inc.
Classification: Likely pathogenic for Hereditary hyperinsulinism. Last evaluated: 2024-08-26. Review status: criteria provided, single submitter. Criteria: Natera Variant Classification Schema (03/2026). Collection method: clinical testing. Allele origin: germline.
Comment: The c.2252_2253dupCC variant in ABCC8 is a frameshift variant predicted to shift the reading frame beginning at codon 752 and leads to a stop codon 29 codons downstream. This variant is expected to result in nonsense mediated decay, truncation, or a dysfunctional protein product. This variant is rare in the general population with a frequency below the threshold expected for the associated phenotype(s). Given the available evidence, this variant is classified as Likely Pathogenic.

Labcorp Genetics (formerly Invitae), Labcorp
Classification: Pathogenic. Last evaluated: 2024-02-02. Review status: criteria provided, single submitter. Criteria: Invitae Variant Classification Sherloc (09022015). Collection method: clinical testing. Allele origin: germline.
Comment: This sequence change creates a premature translational stop signal (p.Ser752Profs*29) in the ABCC8 gene. It is expected to result in an absent or disrupted protein product. Loss-of-function variants in ABCC8 are known to be pathogenic (PMID: 20685672, 23345197). This variant is not present in population databases (gnomAD no frequency). This variant has not been reported in the literature in individuals affected with ABCC8-related conditions. ClinVar contains an entry for this variant (Variation ID: 1071339). For these reasons, this variant has been classified as Pathogenic.

Baylor Genetics
Classification: Likely pathogenic for Type 2 diabetes mellitus. Last evaluated: 2023-08-24. Review status: criteria provided, single submitter. Criteria: ACMG Guidelines, 2015. Collection method: clinical testing. Allele origin: unknown.

Blueprint Genetics
Classification: Likely pathogenic for ABCC8-related disorders. Last evaluated: 2021-03-23. Review status: criteria provided, single submitter. Criteria: ACMG Guidelines, 2015. Collection method: clinical testing. Allele origin: germline. Affected: yes. Observed: 1 variant allele.

Literature cited by the submitters: PubMed 20685672 (cited by Labcorp Genetics (formerly Invitae), Labcorp); PubMed 23345197 (cited by Labcorp Genetics (formerly Invitae), Labcorp).